The following is an entry in ClinVar:

ClinVar aggregate classification (germline): Likely benign. Review status: criteria provided, multiple submitters, no conflicts (2 of 4 stars). 4 submissions from 4 submitters: Likely benign (4). Last evaluated 2024-11-13.

Conditions:
Heterotopia, periventricular, X-linked dominant (PVNH1). Also called: X-linked periventricular heterotopia; PERIVENTRICULAR NODULAR HETEROTOPIA 4; HETEROTOPIA, PERIVENTRICULAR, 1; PERIVENTRICULAR NODULAR HETEROTOPIA 1. Identifiers: Orphanet 2149, Orphanet 82004, MedGen C1848213, MONDO:0010233, OMIM 300049.
Frontometaphyseal dysplasia (FMD1). Identifiers: Orphanet 1826, MedGen C0265293, MONDO:0015942.
Oto-palato-digital syndrome, type II (OPD2). Also called: Otopalatodigital Syndrome, Type II; Otopalatodigital Syndrome Type 2 (FLNA-OPD2); FACIOPALATOOSSEOUS SYNDROME; OPD II SYNDROME. Identifiers: Orphanet 669, Orphanet 90652, MedGen C1844696, MONDO:0010571, OMIM 304120.
Melnick-Needles syndrome (MNS). Also called: Melnick-Needles Syndrome (FLNA-MNS); MELNICK-NEEDLES OSTEODYSPLASTY; OSTEODYSPLASTY OF MELNICK AND NEEDLES. Identifiers: Orphanet 2484, MedGen C0025237, MONDO:0010650, OMIM 309350.
Familial thoracic aortic aneurysm and aortic dissection (TAAD). Also called: Thoracic aortic aneurysms and dissections. Identifiers: Orphanet 91387, MedGen C4707243, MONDO:0019625.

Allele frequency attached by ClinVar (database versions not stated): gnomAD exomes below 0.00001 and 0.00001; TOPMed below 0.00001; gnomAD 0.00002.
gnomAD v4.1: 7 of 1,209,232 alleles (0.00058%); highest among the groups gnomAD compares: South Asian, 0.0018%; no homozygotes.

Submissions (4):

Labcorp Genetics (formerly Invitae), Labcorp
Classification: Likely benign for Oto-palato-digital syndrome, type II; Heterotopia, periventricular, X-linked dominant; Frontometaphyseal dysplasia; Melnick-Needles syndrome. Last evaluated: 2024-11-13. Review status: criteria provided, single submitter. Criteria: Invitae Variant Classification Sherloc (09022015). Collection method: clinical testing. Allele origin: germline.

Women's Health and Genetics/Laboratory Corporation of America, LabCorp
Classification: Likely benign. Last evaluated: 2023-12-03. Review status: criteria provided, single submitter. Criteria: LabCorp Variant Classification Summary - May 2015. Collection method: clinical testing. Allele origin: germline.

CeGaT Center for Human Genetics Tuebingen
Classification: Likely benign. Last evaluated: 2023-05-01. Review status: criteria provided, single submitter. Criteria: CeGaT Center For Human Genetics Tuebingen Variant Classification Criteria Version 2. Collection method: clinical testing. Allele origin: germline. Affected: yes. Observed: 1 variant allele.
Comment: FLNA: BP4, BP7

Ambry Genetics
Classification: Likely benign for Familial thoracic aortic aneurysm and aortic dissection. Last evaluated: 2020-03-13. Review status: criteria provided, single submitter. Criteria: Ambry Variant Classification Scheme 2023. Collection method: clinical testing. Allele origin: germline.

NM_001110556.2(FLNA):c.2724C>T (p.Asp908=)

Gene: FLNA (filamin A; minus strand). Cytogenetic location: Xq28.
Variant type: single nucleotide variant.
Coding change: c.2724C>T on transcript NM_001110556.2 (MANE Select); coding-DNA position 2724, C replaced by T.
Protein change: p.Asp908=; no amino-acid change (aspartic acid 908 retained).
Molecular consequence: synonymous variant.
Genome position (GRCh38, 1-based): chrX:154,362,081, G>A on the plus strand (C>T on the coding strand, the complement: FLNA is on the minus strand). VCF-style: chrX-154362081-G-A. GRCh37 (hg19) VCF-style: chrX-153590449-G-A.
Other names: c.2724C>T, p.Asp908= (NM_001456.4).
Identifiers: ClinVar variation 1080166 (VCV001080166.35), dbSNP rs1557178153, ClinGen allele CA519708355.